The following is an entry in ClinVar:

ClinVar aggregate classification (germline): Uncertain significance (1 of 4 stars; one submission).

Conditions:
Hereditary cancer-predisposing syndrome. Also called: Neoplastic Syndromes, Hereditary; Tumor predisposition; Hereditary neoplastic syndrome; Hereditary Cancer Syndrome. Identifiers: Orphanet 140162, MedGen C0027672, MeSH D009386, MONDO:0015356.

Submission:

Ambry Genetics
Classification: Uncertain significance for Hereditary cancer-predisposing syndrome. Last evaluated: 2023-11-16. Review status: criteria provided, single submitter. Criteria: Ambry Variant Classification Scheme 2023. Collection method: clinical testing. Allele origin: germline.
Comment: The p.L988M variant (also known as c.2962C>A), located in coding exon 17 of the DICER1 gene, results from a C to A substitution at nucleotide position 2962. The leucine at codon 988 is replaced by methionine, an amino acid with highly similar properties. This amino acid position is conserved. In addition, the in silico prediction for this alteration is inconclusive. Since supporting evidence is limited at this time, the clinical significance of this alteration remains unclear.

NM_177438.3(DICER1):c.2962C>A (p.Leu988Met)

Gene: DICER1 (dicer 1, ribonuclease III; minus strand). Cytogenetic location: 14q32.13.
Variant type: single nucleotide variant.
Coding change: c.2962C>A on transcript NM_177438.3 (MANE Select); coding-DNA position 2962, C replaced by A.
Protein change: p.Leu988Met; replaces leucine 988 with methionine.
Molecular consequence: missense variant. On other transcripts: non-coding transcript variant (6).
Genome position (GRCh38, 1-based): chr14:95,106,066, G>T on the plus strand (C>A on the coding strand, the complement: DICER1 is on the minus strand). VCF-style: chr14-95106066-G-T. GRCh37 (hg19) VCF-style: chr14-95572403-G-T.
Other names: c.2962C>A, p.Leu988Met (NM_001195573.1, NM_001271282.3, NM_001291628.2 and 13 more transcripts); c.2680C>A, p.Leu894Met (NM_001395686.1); c.2557C>A, p.Leu853Met (NM_001395687.1, NM_001395688.1, NM_001395689.1 and 2 more transcripts); c.2395C>A, p.Leu799Met (NM_001395691.1); c.1279C>A, p.Leu427Met (NM_001395697.1); short protein forms L427M, L799M, L853M, L894M, L988M.
Identifiers: ClinVar variation 3229352 (VCV003229352.1), dbSNP rs1891391951, ClinGen allele CA390878858.
Genomic context (GRCh38, chr14:95,106,066, plus strand): 5'-AGTGCAATCCAAGTGTCATCTCTGAAGCCCCTTACCTTGAAGATGTGTGGTCCACATCCA[G>T]CAGTGGCTGGTTGAGATTGGTTAGGTCAAGGTTGTACTTTGTTTTATAATATTCTGCAAA-3'
Protein context (NP_803187.1, residues 978-998): LDLTNLNQPL[Leu988Met]DVDHTSSRLN